The following is an entry in ClinVar:

ClinVar aggregate classification (germline): Pathogenic/Likely pathogenic. Review status: criteria provided, multiple submitters, no conflicts (2 of 4 stars). 3 submissions from 3 submitters: Pathogenic (1); Likely pathogenic (2). Last evaluated 2023-11-02.

Conditions:
Hereditary cancer-predisposing syndrome. Also called: Hereditary neoplastic syndrome; Hereditary Cancer Syndrome; Neoplastic Syndromes, Hereditary; Tumor predisposition. Identifiers: Orphanet 140162, MedGen C0027672, MeSH D009386, MONDO:0015356.
Familial adenomatous polyposis 2. Also called: MYH-associated polyposis; COLORECTAL ADENOMATOUS POLYPOSIS, AUTOSOMAL RECESSIVE; ADENOMAS, MULTIPLE COLORECTAL, AUTOSOMAL RECESSIVE; MUTYH-related attenuated familial adenomatous polyposis; Adenomas, multiple colorectal; FAP type 2. Identifiers: Orphanet 220460, Orphanet 247798, MedGen C3272841, MONDO:0012041, OMIM 608456.

Submissions (3):

Labcorp Genetics (formerly Invitae), Labcorp
Classification: Pathogenic for Familial adenomatous polyposis 2. Last evaluated: 2023-11-02. Review status: criteria provided, single submitter. Criteria: Invitae Variant Classification Sherloc (09022015). Collection method: clinical testing. Allele origin: germline.
Comment: This sequence change affects a donor splice site in intron 12 of the MUTYH gene. RNA analysis indicates that disruption of this splice site induces altered splicing and likely results in a shortened protein product. This variant is not present in population databases (gnomAD no frequency). This variant has not been reported in the literature in individuals affected with MUTYH-related conditions. ClinVar contains an entry for this variant (Variation ID: 492002). Studies have shown that disruption of this splice site results in skipping of exon 12, but is expected to preserve the integrity of the reading-frame (Invitae). This variant disrupts a region of the MUTYH protein in which other variant(s) (p.Leu388Pro) have been determined to be pathogenic (PMID: 16134147, 16941501, 17949294, 20848659, 23322991, 25820570). This suggests that this is a clinically significant region of the protein, and that variants that disrupt it are likely to be disease-causing. For these reasons, this variant has been classified as Pathogenic.

Color Diagnostics, LLC DBA Color Health
Classification: Likely pathogenic for Hereditary cancer-predisposing syndrome. Last evaluated: 2022-01-28. Review status: criteria provided, single submitter. Criteria: ACMG Guidelines, 2015. Collection method: clinical testing. Allele origin: germline.
Comment: This variant causes a G to T nucleotide substitution at the +1 position of intron 12 of the MUTYH gene. Splice site prediction tools predict that this variant may have a significant impact on RNA splicing. Although this prediction has not been confirmed in published RNA studies, this variant is expected to result in an absent or disrupted protein product. This variant has not been reported in individuals affected with hereditary cancer in the literature. This variant has not been identified in the general population by the Genome Aggregation Database (gnomAD). Loss of MUTYH function is a known mechanism of disease. Based on the available evidence, this variant is classified as Likely Pathogenic.

Ambry Genetics
Classification: Likely pathogenic for Hereditary cancer-predisposing syndrome. Last evaluated: 2019-07-16. Review status: criteria provided, single submitter. Criteria: Ambry Variant Classification Scheme 2023. Collection method: clinical testing. Allele origin: germline.
Comment: The c.1186+1G>T intronic variant results from a G to T substitution one nucleotide after coding exon 12 of the MUTYH gene. This nucleotide position is well conserved in available vertebrate species. Using the BDGP and ESEfinder splice site prediction tools, this alteration is predicted to abolish the native splice donor site; however, direct evidence is unavailable. Alterations that disrupt the canonical splice site are expected to cause aberrant splicing, resulting in an abnormal protein or a transcript that is subject to nonsense-mediated mRNA decay. As such, this alteration is classified as likely pathogenic.

Literature cited by the submitters: PubMed 16134147 (cited by Labcorp Genetics (formerly Invitae), Labcorp); PubMed 16941501 (cited by Labcorp Genetics (formerly Invitae), Labcorp); PubMed 17949294 (cited by Labcorp Genetics (formerly Invitae), Labcorp); PubMed 20848659 (cited by Labcorp Genetics (formerly Invitae), Labcorp); PubMed 23322991 (cited by Labcorp Genetics (formerly Invitae), Labcorp); PubMed 25820570 (cited by Labcorp Genetics (formerly Invitae), Labcorp).

NM_001048174.2(MUTYH):c.1102+1G>T

Gene: MUTYH (mutY DNA glycosylase; minus strand). Cytogenetic location: 1p34.1.
Variant type: single nucleotide variant.
Coding change: c.1102+1G>T on transcript NM_001048174.2 (MANE Select); the canonical splice donor site of the intron after coding-DNA position 1102, G replaced by T.
Molecular consequence: splice donor variant.
Genome position (GRCh38, 1-based): chr1:45,331,660, C>A on the plus strand (G>T on the coding strand, the complement: MUTYH is on the minus strand). VCF-style: chr1-45331660-C-A. GRCh37 (hg19) VCF-style: chr1-45797332-C-A.
Other names: c.1102+1G>T (NM_001407072.1, NM_001407073.1, NM_001048171.2 and 6 more transcripts); c.757+1G>T (NM_001350651.2, NM_001350650.2, NM_001407082.1); c.826+1G>T (NM_001293192.2, NM_001293196.2, NM_001407091.1); c.1147+1G>T (NM_001293190.2); c.1135+1G>T (NM_001407069.1, NM_001407077.1, NM_001293191.2); c.1177+1G>T (NM_012222.3); c.1186+1G>T (NM_001128425.2); c.1105+1G>T (NM_001407071.1, NM_001048172.2, NM_001407078.1 and 1 more transcripts); and 5 more.
Identifiers: ClinVar variation 492002 (VCV000492002.16), dbSNP rs587781337, ClinGen allele CA340133234.